The following is an entry in ClinVar:

NM_001201427.2(DAAM2):c.2865C>G (p.Asp955Glu)

Gene: DAAM2 (dishevelled associated activator of morphogenesis 2; plus strand). Cytogenetic location: 6p21.2.
Variant type: single nucleotide variant.
Coding change: c.2865C>G on transcript NM_001201427.2 (MANE Select); coding-DNA position 2865, C replaced by G.
Protein change: p.Asp955Glu; replaces aspartic acid 955 with glutamic acid.
Molecular consequence: missense variant.
Genome position (GRCh38, 1-based): chr6:39,901,355, C>G. VCF-style: chr6-39901355-C-G. GRCh37 (hg19) VCF-style: chr6-39869131-C-G.
Other names: c.2862C>G, p.Asp954Glu (NM_015345.4); short protein forms D954E, D955E.
Identifiers: ClinVar variation 3348659 (VCV003348659.2).

ClinVar aggregate classification (germline): Uncertain significance. Review status: criteria provided, single submitter (1 of 4 stars). 2 submissions from 2 submitters: Uncertain significance (1). 1 of the submissions does not count toward it. Last evaluated 2024-09-03.

Conditions:
DAAM2-related disorder. Also called: DAAM2-related condition.
Inborn genetic diseases. Identifiers: MedGen C0950123, MeSH D030342.

gnomAD v4.1: 106 of 1,613,940 alleles (0.0066%); highest among the groups gnomAD compares: African/African-American, 0.12%; no homozygotes.

Submissions (2):

Ambry Genetics
Classification: Uncertain significance for Inborn genetic diseases. Last evaluated: 2024-09-03. Review status: criteria provided, single submitter. Criteria: Ambry Variant Classification Scheme 2023. Collection method: clinical testing. Allele origin: germline.

PreventionGenetics, part of Exact Sciences
Classification: Uncertain significance for DAAM2-related condition. Last evaluated: 2024-05-14. Review status: no assertion criteria provided. Collection method: clinical testing. Allele origin: germline. Not counted in ClinVar's aggregate classification.
Comment: The DAAM2 c.2865C>G variant is predicted to result in the amino acid substitution p.Asp955Glu. To our knowledge, this variant has not been reported in the literature. This variant is reported in 0.12% of alleles in individuals of African descent in gnomAD. Although we suspect that this variant may be benign, at this time, the clinical significance of this variant is uncertain due to the absence of conclusive functional and genetic evidence.